The following is an entry in ClinVar:

ClinVar aggregate classification (germline): Uncertain significance (1 of 4 stars; one submission).

Conditions:
Inborn genetic diseases. Identifiers: MedGen C0950123, MeSH D030342.

Submission:

Ambry Genetics
Classification: Uncertain significance for Inborn genetic diseases. Last evaluated: 2025-11-05. Review status: criteria provided, single submitter. Criteria: Ambry Variant Classification Scheme 2023. Collection method: clinical testing. Allele origin: germline.
Comment: The p.W213L variant (also known as c.638G>T), located in coding exon 6 of the USB1 gene, results from a G to T substitution at nucleotide position 638. The tryptophan at codon 213 is replaced by leucine, an amino acid with similar properties. This amino acid position is conserved. In addition, this alteration is predicted to be deleterious by in silico analysis. Based on the available evidence, the clinical significance of this variant remains unclear.

NM_024598.4(USB1):c.638G>T (p.Trp213Leu)

Gene: USB1 (U6 snRNA biogenesis phosphodiesterase 1; plus strand). Cytogenetic location: 16q21.
Variant type: single nucleotide variant.
Coding change: c.638G>T on transcript NM_024598.4 (MANE Select); coding-DNA position 638, G replaced by T.
Protein change: p.Trp213Leu; replaces tryptophan 213 with leucine.
Molecular consequence: missense variant.
Genome position (GRCh38, 1-based): chr16:58,019,000, G>T. VCF-style: chr16-58019000-G-T. GRCh37 (hg19) VCF-style: chr16-58052904-G-T.
Other names: c.584G>T, p.Trp195Leu (NM_001195302.2); c.485G>T, p.Trp162Leu (NM_001330568.2); short protein forms W162L, W195L, W213L.
Identifiers: ClinVar variation 4634204 (VCV004634204.1).
Genomic context (GRCh38, chr16:58,019,000, plus strand): 5'-GGTGACTGCCTGCCTCTCGTTTCCCTCCCCAGGATCCTTCTTTCCACCTCAGCCTGGCCT[G>T]GTGTGTGGGTGATGCACGTCTCCAGCTGGAGGGGCAGTGCCTGCAGGAACTACAGGTGAA-3'
Protein context (NP_078874.2, residues 203-223): QDPSFHLSLA[Trp213Leu]CVGDARLQLE